The following is an entry in ClinVar:

ClinVar aggregate classification (germline): Conflicting classifications of pathogenicity. Review status: criteria provided, conflicting classifications (1 of 4 stars). 4 submissions from 4 submitters: Uncertain significance (2); Likely benign (2). Last evaluated 2025-12-21.

Conditions:
Larsen-like syndrome, B3GAT3 type. Also called: Multiple joint dislocations, short stature, craniofacial dysmorphism, with or without congenital heart defects; MULTIPLE JOINT DISLOCATIONS, SHORT STATURE, AND CRANIOFACIAL DYSMORPHISM WITH OR WITHOUT CONGENITAL HEART DEFECTS. Identifiers: Orphanet 284139, MedGen CN034159, MONDO:0009511, OMIM 245600.

Allele frequency attached by ClinVar (database versions not stated): gnomAD 0.00007 and 0.00009; TOPMed 0.00012; ExAC 0.00014; gnomAD exomes 0.00014 and 0.00019.
gnomAD v4.1: 226 of 1,612,986 alleles (0.014%); highest among the groups gnomAD compares: Non-Finnish European, 0.0086%; no homozygotes.

Submissions (4):

Labcorp Genetics (formerly Invitae), Labcorp
Classification: Likely benign for Larsen-like syndrome, B3GAT3 type. Last evaluated: 2025-12-21. Review status: criteria provided, single submitter. Criteria: Invitae Variant Classification Sherloc (09022015). Collection method: clinical testing. Allele origin: germline.

Mayo Clinic Laboratories, Mayo Clinic
Classification: Likely benign. Last evaluated: 2024-10-07. Review status: criteria provided, single submitter. Criteria: ACMG Guidelines, 2015. Collection method: clinical testing. Allele origin: germline. Observed: 1 variant allele.
Comment: BS1, BP4

Blueprint Genetics
Classification: Uncertain significance. Last evaluated: 2024-05-30. Review status: criteria provided, single submitter. Criteria: ACMG Guidelines, 2015. Collection method: clinical testing. Allele origin: germline.

GeneDx
Classification: Uncertain significance. Last evaluated: 2021-12-17. Review status: criteria provided, single submitter. Criteria: GeneDx Variant Classification Process June 2021. Collection method: clinical testing. Allele origin: germline. Affected: yes.

NM_012200.4(B3GAT3):c.43G>C (p.Val15Leu)

Gene: B3GAT3 (beta-1,3-glucuronyltransferase 3; minus strand). Cytogenetic location: 11q12.3.
Variant type: single nucleotide variant.
Coding change: c.43G>C on transcript NM_012200.4 (MANE Select); coding-DNA position 43, G replaced by C.
Protein change: p.Val15Leu; replaces valine 15 with leucine.
Molecular consequence: missense variant. On other transcripts: 5 prime UTR variant (1), non-coding transcript variant (1).
Genome position (GRCh38, 1-based): chr11:62,621,905, C>G on the plus strand (G>C on the coding strand, the complement: B3GAT3 is on the minus strand). VCF-style: chr11-62621905-C-G. GRCh37 (hg19) VCF-style: chr11-62389377-C-G.
Other names: p.Val15Leu; c.-218G>C (NM_001288721.2); c.43G>C, p.Val15Leu (NM_001288722.2, NM_001288723.2); short protein forms V15L.
Identifiers: ClinVar variation 729890 (VCV000729890.16), dbSNP rs150651989, ClinGen allele CA6050264.
Genomic context (GRCh38, chr11:62,621,905, plus strand): 5'-CCCCCGCCCCGCCCCGCTCACCGAGCTGTACCAGCGCGTAGAGGAGGCCGGCGATCGACA[C>G]CAGGAAGTAGGCGAGAAACACGTTCTTCAGCTTCAGCTTCATGGCCGCGCCGCCGCCCGC-3'
Protein context (NP_036332.2, residues 5-25): LKNVFLAYFL[Val15Leu]SIAGLLYALV